The following is an entry in ClinVar:

ClinVar aggregate classification (germline): Uncertain significance (1 of 4 stars; one submission).

Allele frequency attached by ClinVar (database versions not stated): gnomAD 0.00015; ESP Exome Variant Server 0.00046.

Submission:

Labcorp Genetics (formerly Invitae), Labcorp
Classification: Uncertain significance. Last evaluated: 2026-01-13. Review status: criteria provided, single submitter. Criteria: Invitae Variant Classification Sherloc (09022015). Collection method: clinical testing. Allele origin: germline.
Comment: This sequence change replaces glycine, which is neutral and non-polar, with glutamic acid, which is acidic and polar, at codon 288 of the MMP14 protein (p.Gly288Glu). This variant is present in population databases (rs138573365, gnomAD 0.04%). This variant has not been reported in the literature in individuals affected with MMP14-related conditions. ClinVar contains an entry for this variant (Variation ID: 2085329). Invitae Evidence Modeling of protein sequence and biophysical properties (such as structural, functional, and spatial information, amino acid conservation, physicochemical variation, residue mobility, and thermodynamic stability) indicates that this missense variant is not expected to disrupt MMP14 protein function with a negative predictive value of 80%. In summary, the available evidence is currently insufficient to determine the role of this variant in disease. Therefore, it has been classified as a Variant of Uncertain Significance.

NM_004995.4(MMP14):c.863G>A (p.Gly288Glu)

Gene: MMP14 (matrix metallopeptidase 14; plus strand). Cytogenetic location: 14q11.2.
Variant type: single nucleotide variant.
Coding change: c.863G>A on transcript NM_004995.4 (MANE Select); coding-DNA position 863, G replaced by A.
Protein change: p.Gly288Glu; replaces glycine 288 with glutamic acid.
Molecular consequence: missense variant.
Genome position (GRCh38, 1-based): chr14:22,843,722, G>A. VCF-style: chr14-22843722-G-A. GRCh37 (hg19) VCF-style: chr14-23312931-G-A.
Other names: short protein forms G288E.
Identifiers: ClinVar variation 2085329 (VCV002085329.4), dbSNP rs138573365, ClinGen allele CA7105298.
Genomic context (GRCh38, chr14:22,843,722, plus strand): 5'-CCCCGCCTCCTCCTAAGTCTGAAATGCCCCTCGTGTTTTCTGCCCCAGGGGGTGAGTCAG[G>A]GTTCCCCACCAAGATGCCCCCTCAACCCAGGACTACCTCCCGGCCTTCTGTTCCTGATAA-3'
Protein context (NP_004986.1, residues 278-298): GIQQLYGGES[Gly288Glu]FPTKMPPQPR